The following is an entry in ClinVar:

ClinVar aggregate classification (germline): Uncertain significance (1 of 4 stars; one submission).

Conditions:
Primary familial hypertrophic cardiomyopathy (HCM). Identifiers: Orphanet 99739, MedGen C0949658, MeSH D024741, MONDO:0024573. Inheritance: Various modes of inheritance.
Dilated cardiomyopathy 1AA (CMD1AA). Also called: Cardiomyopathy, dilated, 1AA, with or without LVNC; CARDIOMYOPATHY, DILATED, 1AA, WITH OR WITHOUT LEFT VENTRICULAR NONCOMPACTION; CARDIOMYOPATHY, FAMILIAL HYPERTROPHIC, 23, WITH OR WITHOUT LEFT VENTRICULAR NONCOMPACTION. Identifiers: Orphanet 154, MedGen C2677338, MONDO:0012808, OMIM 612158.

Submission:

Labcorp Genetics (formerly Invitae), Labcorp
Classification: Uncertain significance for Primary familial hypertrophic cardiomyopathy; Dilated cardiomyopathy 1AA. Last evaluated: 2023-08-04. Review status: criteria provided, single submitter. Criteria: Invitae Variant Classification Sherloc (09022015). Collection method: clinical testing. Allele origin: germline.
Comment: In summary, the available evidence is currently insufficient to determine the role of this variant in disease. Therefore, it has been classified as a Variant of Uncertain Significance. Advanced modeling of protein sequence and biophysical properties (such as structural, functional, and spatial information, amino acid conservation, physicochemical variation, residue mobility, and thermodynamic stability) performed at Invitae indicates that this missense variant is expected to disrupt ACTN2 protein function. ClinVar contains an entry for this variant (Variation ID: 946973). This variant has not been reported in the literature in individuals affected with ACTN2-related conditions. This variant is not present in population databases (gnomAD no frequency). This sequence change replaces isoleucine, which is neutral and non-polar, with valine, which is neutral and non-polar, at codon 62 of the ACTN2 protein (p.Ile62Val).

NM_001103.4(ACTN2):c.184A>G (p.Ile62Val)

Gene: ACTN2 (actinin alpha 2; plus strand). Cytogenetic location: 1q43.
Variant type: single nucleotide variant.
Coding change: c.184A>G on transcript NM_001103.4 (MANE Select); coding-DNA position 184, A replaced by G.
Protein change: p.Ile62Val; replaces isoleucine 62 with valine.
Molecular consequence: missense variant. On other transcripts: 5 prime UTR variant (1).
Genome position (GRCh38, 1-based): chr1:236,717,915, A>G. VCF-style: chr1-236717915-A-G. GRCh37 (hg19) VCF-style: chr1-236881215-A-G.
Other names: c.184A>G, p.Ile62Val (NM_001278343.2); c.-638A>G (NM_001278344.2); short protein forms I62V.
Identifiers: ClinVar variation 946973 (VCV000946973.10), dbSNP rs1658269503, ClinGen allele CA345373300.
Genomic context (GRCh38, chr1:236,717,915, plus strand): 5'-CAGACCTTCACTGCCTGGTGTAACTCCCACCTAAGGAAAGCCGGCACCCAGATTGAGAAC[A>G]TCGAGGAAGACTTCAGGAATGGCCTTAAGCTCATGCTGCTTTTGGAAGTCATCTCAGGTT-3'
Protein context (NP_001094.1, residues 52-72): LRKAGTQIEN[Ile62Val]EEDFRNGLKL